The following is an entry in ClinVar:

ClinVar aggregate classification (germline): Likely benign (0 of 4 stars; one submission).

Conditions:
PLXNA3-related disorder. Also called: PLXNA3-related condition.

gnomAD v4.1: 16 of 1,161,457 alleles (0.0014%); highest among the groups gnomAD compares: Admixed American, 0.009%; no homozygotes.

Submission:

PreventionGenetics, part of Exact Sciences
Classification: Likely benign for PLXNA3-related condition. Last evaluated: 2021-11-17. Review status: no assertion criteria provided. Collection method: clinical testing. Allele origin: germline.
Comment: This variant is classified as likely benign based on ACMG/AMP sequence variant interpretation guidelines (Richards et al. 2015 PMID: 25741868, with internal and published modifications).

NM_017514.5(PLXNA3):c.3402C>T (p.Gly1134=)

Gene: PLXNA3 (plexin A3; plus strand). Cytogenetic location: Xq28.
Variant type: single nucleotide variant.
Coding change: c.3402C>T on transcript NM_017514.5 (MANE Select); coding-DNA position 3402, C replaced by T.
Protein change: p.Gly1134=; no amino-acid change (glycine 1134 retained).
Molecular consequence: synonymous variant.
Genome position (GRCh38, 1-based): chrX:154,467,432, C>T. VCF-style: chrX-154467432-C-T. GRCh37 (hg19) VCF-style: chrX-153695775-C-T.
Identifiers: ClinVar variation 3355220 (VCV003355220.1).
Genomic context (GRCh38, chrX:154,467,432, plus strand): 5'-CAACCGCTCCTCCTTTACCTACTACCCTGATCCCAGCTTTGAGCCGCTGGGGCCCTCTGG[C>T]GTGCTGGACGTCAAACCGGGCTCCCACGTGGTGCTGAAGGTGCGGGCGGGGTGGGGGCGG-3'
Protein context (NP_059984.3, residues 1124-1144): DPSFEPLGPS[Gly1134=]VLDVKPGSHV